The following is an entry in ClinVar:

NM_015340.4(LARS2):c.899C>T (p.Thr300Met)

Gene: LARS2 (leucyl-tRNA synthetase 2, mitochondrial; plus strand). Cytogenetic location: 3p21.31.
Variant type: single nucleotide variant.
Coding change: c.899C>T on transcript NM_015340.4 (MANE Select); coding-DNA position 899, C replaced by T.
Protein change: p.Thr300Met; replaces threonine 300 with methionine.
Molecular consequence: missense variant.
Genome position (GRCh38, 1-based): chr3:45,476,508, C>T. VCF-style: chr3-45476508-C-T. GRCh37 (hg19) VCF-style: chr3-45518000-C-T.
Other names: c.899C>T, p.Thr300Met (NM_001368263.1); short protein forms T300M.
Identifiers: ClinVar variation 203990 (VCV000203990.7), dbSNP rs864309642, ClinGen allele CA278778.

ClinVar aggregate classification (germline): Conflicting classifications of pathogenicity. Review status: criteria provided, conflicting classifications (1 of 4 stars). 4 submissions from 4 submitters: Pathogenic (1); Uncertain significance (2). 1 of the submissions does not count toward it. Last evaluated 2024-08-13.

Conditions:
Perrault syndrome 4 (PRLTS4). Identifiers: Orphanet 2855, MedGen C3809105, MONDO:0014126, OMIM 615300.

Allele frequency attached by ClinVar (database versions not stated): gnomAD 0.00001; gnomAD exomes 0.00001; TOPMed 0.00003.
gnomAD v4.1: 28 of 1,614,076 alleles (0.0017%); highest among the groups gnomAD compares: Non-Finnish European, 0.0022%; no homozygotes.

Submissions (4):

Labcorp Genetics (formerly Invitae), Labcorp
Classification: Uncertain significance. Last evaluated: 2024-08-13. Review status: criteria provided, single submitter. Criteria: Invitae Variant Classification Sherloc (09022015). Collection method: clinical testing. Allele origin: germline.
Comment: This sequence change replaces threonine, which is neutral and polar, with methionine, which is neutral and non-polar, at codon 300 of the LARS2 protein (p.Thr300Met). This variant is present in population databases (no rsID available, gnomAD 0.003%). This missense change has been observed in individual(s) with Perrault syndrome (PMID: 26657938). It has also been observed to segregate with disease in related individuals. ClinVar contains an entry for this variant (Variation ID: 203990). Invitae Evidence Modeling of protein sequence and biophysical properties (such as structural, functional, and spatial information, amino acid conservation, physicochemical variation, residue mobility, and thermodynamic stability) indicates that this missense variant is not expected to disrupt LARS2 protein function with a negative predictive value of 80%. In summary, the available evidence is currently insufficient to determine the role of this variant in disease. Therefore, it has been classified as a Variant of Uncertain Significance.

GeneDx
Classification: Uncertain significance. Last evaluated: 2024-05-28. Review status: criteria provided, single submitter. Criteria: GeneDx Variant Classification Process June 2021. Collection method: clinical testing. Allele origin: germline. Affected: yes.
Comment: Not observed at significant frequency in large population cohorts (gnomAD); In silico analysis supports that this missense variant has a deleterious effect on protein structure/function; This variant is associated with the following publications: (PMID: 31589614, 32423379, 32767731, 26657938)

Molecular Genetics and RNA Biology, Humanitas University
Classification: Pathogenic for Perrault syndrome 4. Last evaluated: 2015-05-18. Review status: criteria provided, single submitter. Criteria: Submitter's publication. Collection method: research. Allele origin: germline. Affected: no. Observed: 2 variant alleles.

OMIM
Classification: Pathogenic for PERRAULT SYNDROME 4. Last evaluated: 2015-12-10. Review status: no assertion criteria provided. Collection method: literature only. Allele origin: germline. Not counted in ClinVar's aggregate classification.

Literature cited by the submitters: PubMed 26657938 (cited by Labcorp Genetics (formerly Invitae), Labcorp and OMIM).